The following is an entry in ClinVar:

ClinVar aggregate classification (germline): Benign/Likely benign. Review status: criteria provided, multiple submitters, no conflicts (2 of 4 stars). 3 submissions from 3 submitters: Benign (1); Likely benign (2). Last evaluated 2025-12-15.

Conditions:
Familial cancer of breast. Also called: BREAST CANCER, FAMILIAL; hereditary breast carcinoma; Hereditary breast cancer. Identifiers: Orphanet 227535, MedGen C0346153, MONDO:0016419, OMIM 114480. Disease mechanism: loss of function.
Ataxia-telangiectasia syndrome (AT). Also called: Ataxia-telangiectasia; AT, COMPLEMENTATION GROUP C; LOUIS-BAR SYNDROME; Ataxia telangiectasia (A-T); Cerebello-oculocutaneous telangiectasia; Immunodeficiency with ataxia telangiectasia. Identifiers: Orphanet 100, MedGen C0004135, MONDO:0008840, OMIM 208900.
Hereditary cancer-predisposing syndrome. Also called: Tumor predisposition; Hereditary Cancer Syndrome; Neoplastic Syndromes, Hereditary; Hereditary neoplastic syndrome. Identifiers: Orphanet 140162, MedGen C0027672, MeSH D009386, MONDO:0015356.

Submissions (3):

Labcorp Genetics (formerly Invitae), Labcorp
Classification: Likely benign for Ataxia-telangiectasia syndrome. Last evaluated: 2025-12-15. Review status: criteria provided, single submitter. Criteria: Invitae Variant Classification Sherloc (09022015). Collection method: clinical testing. Allele origin: germline.

Myriad Genetics, Inc.
Classification: Benign for Familial cancer of breast. Last evaluated: 2024-05-08. Review status: criteria provided, single submitter. Criteria: Myriad Autosomal Dominant, Autosomal Recessive and X-Linked Classification Criteria (2023). Collection method: clinical testing. Allele origin: unknown.
Comment: This variant is considered benign. This variant is a silent/synonymous amino acid change and it is not expected to impact splicing.

Ambry Genetics
Classification: Likely benign for Hereditary cancer-predisposing syndrome. Last evaluated: 2019-08-19. Review status: criteria provided, single submitter. Criteria: Ambry Variant Classification Scheme 2023. Collection method: clinical testing. Allele origin: germline.

NM_000051.4(ATM):c.2427A>G (p.Ser809=)

Gene: ATM (ATM serine/threonine kinase; plus strand). Cytogenetic location: 11q22.3.
Variant type: single nucleotide variant.
Coding change: c.2427A>G on transcript NM_000051.4 (MANE Select); coding-DNA position 2427, A replaced by G.
Protein change: p.Ser809=; no amino-acid change (serine 809 retained).
Molecular consequence: synonymous variant.
Genome position (GRCh38, 1-based): chr11:108,259,036, A>G. VCF-style: chr11-108259036-A-G. GRCh37 (hg19) VCF-style: chr11-108129763-A-G.
Other names: c.2427A>G, p.Ser809= (NM_001351834.2).
Identifiers: ClinVar variation 744092 (VCV000744092.15), dbSNP rs1591551435, ClinGen allele CA476672902.